The following is an entry in ClinVar:

NM_172351.3(CD46):c.118A>G (p.Thr40Ala)

Gene: CD46 (CD46 molecule; plus strand). Cytogenetic location: 1q32.2.
Variant type: single nucleotide variant.
Coding change: c.118A>G on transcript NM_172351.3 (MANE Select); coding-DNA position 118, A replaced by G.
Protein change: p.Thr40Ala; replaces threonine 40 with alanine.
Molecular consequence: missense variant.
Genome position (GRCh38, 1-based): chr1:207,757,034, A>G. VCF-style: chr1-207757034-A-G. GRCh37 (hg19) VCF-style: chr1-207930379-A-G.
Other names: c.118A>G, p.Thr40Ala (LRG_155t1, NM_002389.4, NM_153826.4 and 9 more transcripts); short protein forms T40A.
Identifiers: ClinVar variation 294967 (VCV000294967.10), dbSNP rs753924720, ClinGen allele CA1371544.

ClinVar aggregate classification (germline): Uncertain significance. Review status: criteria provided, multiple submitters, no conflicts (2 of 4 stars). 4 submissions from 4 submitters: Uncertain significance (4). Last evaluated 2026-04-13.

Conditions:
CD46-related disorder. Also called: CD46-related condition.
Atypical hemolytic-uremic syndrome with MCP/CD46 anomaly. Also called: HEMOLYTIC UREMIC SYNDROME, ATYPICAL, SUSCEPTIBILITY TO, 2; AHUS, SUSCEPTIBILITY TO, 2. Identifiers: Orphanet 2134, MedGen C2752040, MONDO:0013040, OMIM 612922.

Allele frequency attached by ClinVar (database versions not stated): gnomAD exomes below 0.00001 and 0.00001; TOPMed below 0.00001; gnomAD 0.00001; ExAC 0.00002.
gnomAD v4.1: 7 of 1,613,870 alleles (0.00043%); highest among the groups gnomAD compares: Admixed American, 0.0033%; no homozygotes.

Submissions (4):

PreventionGenetics, part of Exact Sciences
Classification: Uncertain significance for CD46-related condition. Last evaluated: 2026-04-13. Review status: criteria provided, single submitter. Criteria: ACMG Guidelines, 2015. Collection method: clinical testing. Allele origin: germline.
Comment: The CD46 c.118A>G variant is predicted to result in the amino acid substitution p.Thr40Ala. To our knowledge, this variant has not been reported in the literature. This variant is reported in 0.0058% of alleles in individuals of Latino descent in gnomAD. At this time, the clinical significance of this variant is uncertain due to the absence of conclusive functional and genetic evidence.

Labcorp Genetics (formerly Invitae), Labcorp
Classification: Uncertain significance. Last evaluated: 2025-02-09. Review status: criteria provided, single submitter. Criteria: Invitae Variant Classification Sherloc (09022015). Collection method: clinical testing. Allele origin: germline.
Comment: This sequence change replaces threonine, which is neutral and polar, with alanine, which is neutral and non-polar, at codon 40 of the CD46 protein (p.Thr40Ala). This variant is present in population databases (rs753924720, gnomAD 0.006%). This variant has not been reported in the literature in individuals affected with CD46-related conditions. ClinVar contains an entry for this variant (Variation ID: 294967). Invitae Evidence Modeling of protein sequence and biophysical properties (such as structural, functional, and spatial information, amino acid conservation, physicochemical variation, residue mobility, and thermodynamic stability) indicates that this missense variant is not expected to disrupt CD46 protein function with a negative predictive value of 80%. In summary, the available evidence is currently insufficient to determine the role of this variant in disease. Therefore, it has been classified as a Variant of Uncertain Significance.

Fulgent Genetics
Classification: Uncertain significance for Atypical hemolytic-uremic syndrome with MCP/CD46 anomaly. Last evaluated: 2022-04-11. Review status: criteria provided, single submitter. Criteria: ACMG Guidelines, 2015. Collection method: clinical testing. Allele origin: unknown.

Illumina Laboratory Services, Illumina
Classification: Uncertain significance for Atypical hemolytic-uremic syndrome with MCP/CD46 anomaly. Last evaluated: 2018-01-12. Review status: criteria provided, single submitter. Criteria: ICSL Variant Classification Criteria 13 December 2019. Collection method: clinical testing. Allele origin: germline.